The following is an entry in ClinVar:

ClinVar aggregate classification (germline): Benign/Likely benign. Review status: criteria provided, multiple submitters, no conflicts (2 of 4 stars). 11 submissions from 10 submitters: Benign (8); Likely benign (1). 2 of the submissions do not count toward it. Last evaluated 2026-02-01.

Conditions:
Adams-Oliver syndrome 5 (AOS5). Identifiers: Orphanet 974, MedGen C4014970, MONDO:0014459, OMIM 616028.
Familial thoracic aortic aneurysm and aortic dissection (TAAD). Also called: Thoracic aortic aneurysms and dissections. Identifiers: Orphanet 91387, MedGen C4707243, MONDO:0019625.
Aortic valve disease 1 (AOVD1). Identifiers: MedGen C3887892, MONDO:0024523, OMIM 109730.

Allele frequency attached by ClinVar (database versions not stated): gnomAD exomes 0.00027 and 0.00072; ExAC 0.00091; ESP Exome Variant Server 0.00282; gnomAD 0.00288 and 0.00314; TOPMed 0.00298; 1000 Genomes Project 0.00359; 1000 Genomes Project 30x 0.00406.
gnomAD v4.1: 835 of 1,613,236 alleles (0.052%); highest among the groups gnomAD compares: African/African-American, 1%; 1 homozygote.

Submissions (11):

CeGaT Center for Human Genetics Tuebingen
Classification: Likely benign. Last evaluated: 2026-02-01. Review status: criteria provided, single submitter. Criteria: CeGaT Center For Human Genetics Tuebingen Variant Classification Criteria Version 2. Collection method: clinical testing. Allele origin: germline. Affected: yes. Observed: 1 variant allele.
Comment: NOTCH1: BP4, BP7, BS1

Labcorp Genetics (formerly Invitae), Labcorp
Classification: Benign for Adams-Oliver syndrome 5. Last evaluated: 2026-01-26. Review status: criteria provided, single submitter. Criteria: Invitae Variant Classification Sherloc (09022015). Collection method: clinical testing. Allele origin: germline.

ARUP Laboratories, Molecular Genetics and Genomics, ARUP Laboratories
Classification: Benign. Last evaluated: 2025-01-27. Review status: criteria provided, single submitter. Criteria: ARUP Molecular Germline Variant Investigation Process 2024. Collection method: clinical testing. Allele origin: germline.

Women's Health and Genetics/Laboratory Corporation of America, LabCorp
Classification: Benign. Last evaluated: 2023-07-21. Review status: criteria provided, single submitter. Criteria: LabCorp Variant Classification Summary - May 2015. Collection method: clinical testing. Allele origin: germline.

Genome-Nilou Lab
Classification: Benign for Adams-Oliver syndrome 5. Last evaluated: 2022-03-15. Review status: criteria provided, single submitter. Criteria: ACMG Guidelines, 2015. Collection method: clinical testing. Allele origin: germline. Affected: no.

Genome-Nilou Lab
Classification: Benign for Aortic valve disease 1. Last evaluated: 2022-03-15. Review status: criteria provided, single submitter. Criteria: ACMG Guidelines, 2015. Collection method: clinical testing. Allele origin: germline. Affected: no.

GeneDx
Classification: Benign. Last evaluated: 2016-12-06. Review status: criteria provided, single submitter. Criteria: GeneDx Variant Classification (06012015). Collection method: clinical testing. Allele origin: germline. Affected: yes.
Comment: This variant is considered likely benign or benign based on one or more of the following criteria: it is a conservative change, it occurs at a poorly conserved position in the protein, it is predicted to be benign by multiple in silico algorithms, and/or has population frequency not consistent with disease.

Ambry Genetics
Classification: Benign for Familial thoracic aortic aneurysm and aortic dissection. Last evaluated: 2016-11-30. Review status: criteria provided, single submitter. Criteria: Ambry Variant Classification Scheme 2023. Collection method: clinical testing. Allele origin: germline.

Eurofins Ntd Llc (ga)
Classification: Benign. Last evaluated: 2015-05-22. Review status: criteria provided, single submitter. Criteria: EGL Classification Definitions 2015. Collection method: clinical testing. Allele origin: germline. Observed: 1 variant allele, 1 heterozygote.

Clinical Genetics DNA and cytogenetics Diagnostics Lab, Erasmus MC, Erasmus Medical Center
Classification: Benign. Review status: no assertion criteria provided. Collection method: clinical testing. Allele origin: germline. Affected: yes. Study: VKGL Data-share Consensus. Not counted in ClinVar's aggregate classification.

Genome Diagnostics Laboratory, Amsterdam University Medical Center
Classification: Benign. Review status: no assertion criteria provided. Collection method: clinical testing. Allele origin: germline. Affected: yes. Study: VKGL Data-share Consensus. Not counted in ClinVar's aggregate classification.

Literature cited by the submitters: PubMed 24943832 (cited by Women's Health and Genetics/Laboratory Corporation of America, LabCorp); PubMed 16614245 (cited by Women's Health and Genetics/Laboratory Corporation of America, LabCorp); PubMed 21670202 (cited by Women's Health and Genetics/Laboratory Corporation of America, LabCorp); PubMed 22210878 (cited by Women's Health and Genetics/Laboratory Corporation of America, LabCorp); PubMed 19635999 (cited by Women's Health and Genetics/Laboratory Corporation of America, LabCorp); PubMed 26837699 (cited by Women's Health and Genetics/Laboratory Corporation of America, LabCorp); PubMed 23086750 (cited by Women's Health and Genetics/Laboratory Corporation of America, LabCorp); PubMed 19245433 (cited by Women's Health and Genetics/Laboratory Corporation of America, LabCorp); PubMed 22077063 (cited by Women's Health and Genetics/Laboratory Corporation of America, LabCorp); PubMed 15472075 (cited by Women's Health and Genetics/Laboratory Corporation of America, LabCorp); PubMed 23734977 (cited by Women's Health and Genetics/Laboratory Corporation of America, LabCorp); PubMed 22858860 (cited by Women's Health and Genetics/Laboratory Corporation of America, LabCorp).

NM_017617.5(NOTCH1):c.2769A>G (p.Thr923=)

Gene: NOTCH1 (notch receptor 1; minus strand). Cytogenetic location: 9q34.3.
Variant type: single nucleotide variant.
Coding change: c.2769A>G on transcript NM_017617.5 (MANE Select); coding-DNA position 2769, A replaced by G.
Protein change: p.Thr923=; no amino-acid change (threonine 923 retained).
Molecular consequence: synonymous variant.
Genome position (GRCh38, 1-based): chr9:136,509,933, T>C on the plus strand (A>G on the coding strand, the complement: NOTCH1 is on the minus strand). VCF-style: chr9-136509933-T-C. GRCh37 (hg19) VCF-style: chr9-139404385-T-C.
Other names: c.2769A>G (NM_017617.4); c.2769A>G, p.Thr923= (LRG_1122t1).
Identifiers: ClinVar variation 194869 (VCV000194869.29), dbSNP rs201985795, ClinGen allele CA201401.